The following is an entry in ClinVar:

NM_000632.4(ITGAM):c.1692C>A (p.Ser564Arg)

Gene: ITGAM (integrin subunit alpha M; plus strand). Cytogenetic location: 16p11.2.
Variant type: single nucleotide variant.
Coding change: c.1692C>A on transcript NM_000632.4 (MANE Select); coding-DNA position 1692, C replaced by A.
Protein change: p.Ser564Arg; replaces serine 564 with arginine.
Molecular consequence: missense variant.
Genome position (GRCh38, 1-based): chr16:31,297,939, C>A. VCF-style: chr16-31297939-C-A. GRCh37 (hg19) VCF-style: chr16-31309260-C-A.
Other names: c.1695C>A, p.Ser565Arg (NM_001145808.2); short protein forms S564R, S565R.
Identifiers: ClinVar variation 4745689 (VCV004745689.1).

ClinVar aggregate classification (germline): Uncertain significance (1 of 4 stars; one submission).

Submission:

Labcorp Genetics (formerly Invitae), Labcorp
Classification: Uncertain significance. Last evaluated: 2025-12-02. Review status: criteria provided, single submitter. Criteria: Invitae Variant Classification Sherloc (09022015). Collection method: clinical testing. Allele origin: germline.
Comment: This sequence change replaces serine, which is neutral and polar, with arginine, which is basic and polar, at codon 564 of the ITGAM protein (p.Ser564Arg). This variant is not present in population databases (gnomAD no frequency). This variant has not been reported in the literature in individuals affected with ITGAM-related conditions. An algorithm developed to predict the effect of missense changes on protein structure and function outputs the following: PolyPhen-2: "Benign". The arginine amino acid residue is found in multiple mammalian species, which suggests that this missense change does not adversely affect protein function. In summary, the available evidence is currently insufficient to determine the role of this variant in disease. Therefore, it has been classified as a Variant of Uncertain Significance.